The following is an entry in ClinVar:

NM_000264.5(PTCH1):c.2020G>A (p.Val674Met)

Genes: PTCH1 (patched 1; minus strand), LOC100507346 (uncharacterized LOC100507346; plus strand). Cytogenetic location: 9q22.32.
Variant type: single nucleotide variant.
Coding change: c.2020G>A on transcript NM_000264.5 (MANE Select); coding-DNA position 2020, G replaced by A.
Protein change: p.Val674Met; replaces valine 674 with methionine.
Molecular consequence: missense variant. On other transcripts: non-coding transcript variant (2).
Genome position (GRCh38, 1-based): chr9:95,468,981, C>T on the plus strand (G>A on the coding strand, the complement: PTCH1 is on the minus strand). VCF-style: chr9-95468981-C-T. GRCh37 (hg19) VCF-style: chr9-98231263-C-T.
Other names: c.1822G>A, p.Val608Met (NM_001083602.3); c.2017G>A, p.Val673Met (NM_001083603.3); c.1567G>A, p.Val523Met (NM_001083604.3, NM_001083605.3, NM_001083606.3 and 1 more transcripts); c.1864G>A, p.Val622Met (NM_001354918.2); c.2020G>A (NM_000264.4); short protein forms V608M, V674M, V523M, V622M, V673M.
Identifiers: ClinVar variation 409190 (VCV000409190.21), dbSNP rs1060502291, ClinGen allele CA16612932.

ClinVar aggregate classification (germline): Conflicting classifications of pathogenicity. Review status: criteria provided, conflicting classifications (1 of 4 stars). 3 submissions from 3 submitters: Uncertain significance (1); Likely benign (2). Last evaluated 2025-10-20.

Conditions:
Gorlin syndrome. Also called: Nevoid Basal Cell Carcinoma Syndrome; Basal cell nevus syndrome. Identifiers: Orphanet 377, MedGen C0004779, MONDO:0007187.
Hereditary cancer-predisposing syndrome. Also called: Hereditary neoplastic syndrome; Neoplastic Syndromes, Hereditary; Tumor predisposition; Hereditary Cancer Syndrome. Identifiers: Orphanet 140162, MedGen C0027672, MeSH D009386, MONDO:0015356.

Allele frequency attached by ClinVar (database versions not stated): gnomAD exomes below 0.00001 and 0.00001; gnomAD 0.00001; TOPMed 0.00002.
gnomAD v4.1: 9 of 1,613,908 alleles (0.00056%); highest among the groups gnomAD compares: East Asian, 0.0022%; no homozygotes.

Submissions (3):

Labcorp Genetics (formerly Invitae), Labcorp
Classification: Likely benign for Gorlin syndrome. Last evaluated: 2025-10-20. Review status: criteria provided, single submitter. Criteria: Invitae Variant Classification Sherloc (09022015). Collection method: clinical testing. Allele origin: germline.

Quest Diagnostics Nichols Institute San Juan Capistrano
Classification: Uncertain significance. Last evaluated: 2025-03-31. Review status: criteria provided, single submitter. Criteria: Quest Diagnostics criteria. Collection method: clinical testing. Allele origin: unknown.
Comment: The PTCH1 c.2020G>A (p.Val674Met) variant has not been reported in individuals with PTCH1-related conditions in the published literature. The frequency of this variant in the general population (Genome Aggregation Database) is uninformative in the assessment of its pathogenicity. Analysis of this variant using bioinformatics tools for the prediction of the effect of amino acid changes on protein structure and function yielded predictions that this variant is benign. Based on the available information, we are unable to determine the clinical significance of this variant.

Ambry Genetics
Classification: Likely benign for Hereditary cancer-predisposing syndrome. Last evaluated: 2022-07-26. Review status: criteria provided, single submitter. Criteria: Ambry Variant Classification Scheme 2023. Collection method: clinical testing. Allele origin: germline.